The following is an entry in ClinVar:

ClinVar aggregate classification (germline): Pathogenic (1 of 4 stars; one submission).

Conditions:
Autosomal dominant Alport syndrome (ATS3A). Also called: Alport syndrome dominant type; Renal failure and sensorineural hearing loss; ALPORT SYNDROME 3A, AUTOSOMAL DOMINANT. Identifiers: Orphanet 63, Orphanet 88918, MedGen C5882663, MONDO:0007086, OMIM 104200.

Submission:

MVZ Medizinische Genetik Mainz
Classification: Pathogenic for Autosomal dominant Alport syndrome. Last evaluated: 2025-06-17. Review status: criteria provided, single submitter. Criteria: UK Practice Guidelines For Variant Classification V4 01 2020. Collection method: clinical testing. Allele origin: germline. Inheritance: Autosomal dominant inheritance. Affected: yes. Observed: 1 variant allele.
Comment: ACMG Criteria: PVS1,PM2_SUP,PP4

NM_000091.5(COL4A3):c.4253-1G>C

Genes: COL4A3 (collagen type IV alpha 3 chain; plus strand), MFF-DT (MFF divergent transcript; minus strand). Cytogenetic location: 2q36.3.
Variant type: single nucleotide variant.
Coding change: c.4253-1G>C on transcript NM_000091.5 (MANE Select); the canonical splice acceptor site of the intron before coding-DNA position 4253, G replaced by C.
Molecular consequence: splice acceptor variant.
Genome position (GRCh38, 1-based): chr2:227,307,709, G>C. VCF-style: chr2-227307709-G-C. GRCh37 (hg19) VCF-style: chr2-228172425-G-C.
Identifiers: ClinVar variation 4072237 (VCV004072237.1).